The following is an entry in ClinVar:

ClinVar aggregate classification (germline): Uncertain significance (1 of 4 stars; one submission).

Conditions:
Hereditary cancer-predisposing syndrome. Also called: Tumor predisposition; Hereditary Cancer Syndrome; Hereditary neoplastic syndrome; Neoplastic Syndromes, Hereditary. Identifiers: Orphanet 140162, MedGen C0027672, MeSH D009386, MONDO:0015356.

Submission:

Ambry Genetics
Classification: Uncertain significance for Hereditary cancer-predisposing syndrome. Last evaluated: 2016-01-10. Review status: criteria provided, single submitter. Criteria: Ambry Variant Classification Scheme 2023. Collection method: clinical testing. Allele origin: germline.
Comment: The p.S2262C variant (also known as c.6784A>T), located in coding exon 15 of the APC gene, results from an A to T substitution at nucleotide position 6784. The serine at codon 2262 is replaced by cysteine, an amino acid with dissimilar properties. This variant was not reported in population based cohorts in the following databases: Database of Single Nucleotide Polymorphisms (dbSNP), NHLBI Exome Sequencing Project (ESP), and 1000 Genomes Project. In the ESP, this variant was not observed in 6500 samples (13000 alleles) with coverage at this position. To date, this alteration has been detected with an allele frequency of approximately 0.001% (greater than 70000 alleles tested) in our clinical cohort. This amino acid position is not well conserved in available vertebrate species. In addition, in silico predictors for this gene do not accurately predict pathogenicity. Since supporting evidence is limited at this time, the clinical significance of p.S2262C remains unclear.

NM_000038.6(APC):c.6784A>T (p.Ser2262Cys)

Gene: APC (APC regulator of Wnt signaling pathway; plus strand). Cytogenetic location: 5q22.2.
Variant type: single nucleotide variant.
Coding change: c.6784A>T on transcript NM_000038.6 (MANE Select); coding-DNA position 6784, A replaced by T.
Protein change: p.Ser2262Cys; replaces serine 2262 with cysteine.
Molecular consequence: missense variant.
Genome position (GRCh38, 1-based): chr5:112,842,378, A>T. VCF-style: chr5-112842378-A-T. GRCh37 (hg19) VCF-style: chr5-112178075-A-T.
Other names: c.6784A>T, p.Ser2262Cys (NM_001127510.3, NM_001354895.2); c.6730A>T, p.Ser2244Cys (NM_001127511.3); c.6838A>T, p.Ser2280Cys (NM_001354896.2); c.6814A>T, p.Ser2272Cys (NM_001354897.2); c.6709A>T, p.Ser2237Cys (NM_001354898.2); c.6700A>T, p.Ser2234Cys (NM_001354899.2); c.6661A>T, p.Ser2221Cys (NM_001354900.2); c.6607A>T, p.Ser2203Cys (NM_001354901.2); and 5 more; short protein forms S2244C, S2262C, S2136C, S2280C, S2102C, S2171C, S2203C, S2237C.
Identifiers: ClinVar variation 486741 (VCV000486741.5), dbSNP rs1554087729, ClinGen allele CA16036148.
Genomic context (GRCh38, chr5:112,842,378, plus strand): 5'-AGTACAAGTCCTGTTTCTAAAAAAGGCCCACCCCTTAAGACTCCAGCCTCCAAAAGCCCT[A>T]GTGAAGGTCAAACAGCCACCACTTCTCCTAGAGGAGCCAAGCCATCTGTGAAATCAGAAT-3'
Protein context (NP_000029.2, residues 2252-2272): PLKTPASKSP[Ser2262Cys]EGQTATTSPR